The following is an entry in ClinVar:

NM_198129.4(LAMA3):c.8773G>A (p.Gly2925Arg)

Gene: LAMA3 (laminin subunit alpha 3; plus strand). Cytogenetic location: 18q11.2.
Variant type: single nucleotide variant.
Coding change: c.8773G>A on transcript NM_198129.4 (MANE Select); coding-DNA position 8773, G replaced by A.
Protein change: p.Gly2925Arg; replaces glycine 2925 with arginine.
Molecular consequence: missense variant.
Genome position (GRCh38, 1-based): chr18:23,933,846, G>A. VCF-style: chr18-23933846-G-A. GRCh37 (hg19) VCF-style: chr18-21513810-G-A.
Other names: c.3946G>A, p.Gly1316Arg (NM_000227.6); c.8605G>A, p.Gly2869Arg (NM_001127717.4); c.3778G>A, p.Gly1260Arg (NM_001127718.4); short protein forms G1316R, G2925R, G2869R, G1260R.
Identifiers: ClinVar variation 326340 (VCV000326340.7), dbSNP rs112986465, ClinGen allele CA8917009.
Genomic context (GRCh38, chr18:23,933,846, plus strand): 5'-TCACTGAGTCCTGAAGTCCTAGATTTGACCAGTAACTCTCTCAAGAGAGATGTGTCCCTG[G>A]GAGGCTGCAGTTTAAACAAACCACCTTTTCTAATGTTGCTTAAAGGTTCTACCAGGTTTA-3'
Protein context (NP_937762.2, residues 2915-2935): SNSLKRDVSL[Gly2925Arg]GCSLNKPPFL

ClinVar aggregate classification (germline): Uncertain significance. Review status: criteria provided, multiple submitters, no conflicts (2 of 4 stars). 4 submissions from 3 submitters: Uncertain significance (4). Last evaluated 2026-01-07.

Conditions:
Laryngo-onycho-cutaneous syndrome (JEB2C). Also called: EPIDERMOLYSIS BULLOSA, JUNCTIONAL 2C, LARYNGOONYCHOCUTANEOUS; SHABBIR SYNDROME; LOGIC SYNDROME. Identifiers: Orphanet 2407, MedGen C1328355, MONDO:0009513, OMIM 245660.
Junctional epidermolysis bullosa gravis of Herlitz. Also called: EPIDERMOLYSIS BULLOSA, JUNCTIONAL 1B, SEVERE; Epidermolysis Bullosa Letalis; Herlitz-type junctional epidermolysis bullosa; EPIDERMOLYSIS BULLOSA JUNCTIONALIS, HERLITZ TYPE; EPIDERMOLYSIS BULLOSA, JUNCTIONAL, HERLITZ-PEARSON TYPE; JEB-HERLITZ TYPE. Identifiers: Orphanet 79404, MedGen C0079683, MONDO:0009182, OMIM 226700.
Junctional epidermolysis bullosa. Identifiers: Orphanet 305, MedGen C0079301, MONDO:0017612.

Allele frequency attached by ClinVar (database versions not stated): gnomAD exomes 0.00004; ExAC 0.00016; gnomAD 0.00023 and 0.00026; TOPMed 0.00026; ESP Exome Variant Server 0.00038; 1000 Genomes Project 0.00040; 1000 Genomes Project 30x 0.00047.
gnomAD v4.1: 96 of 1,614,002 alleles (0.0059%); highest among the groups gnomAD compares: African/African-American, 0.099%; no homozygotes.

Submissions (4):

Women's Health and Genetics/Laboratory Corporation of America, LabCorp
Classification: Uncertain significance. Last evaluated: 2026-01-07. Review status: criteria provided, single submitter. Criteria: LabCorp Variant Classification Summary - May 2015. Collection method: clinical testing. Allele origin: germline.
Comment: Variant summary: LAMA3 c.3946G>A (p.Gly1316Arg) results in a non-conservative amino acid change in the encoded protein sequence. Algorithms developed to predict the effect of missense changes on protein structure and function are either unavailable or do not agree on the potential impact of this missense change. The variant allele was found at a frequency of 0.00012 in 251436 control chromosomes, predominantly at a frequency of 0.00098 within the African or African-American subpopulation in the gnomAD database. The observed variant frequency within African or African-American control individuals in the gnomAD database is approximately equal to the estimated maximal expected allele frequency for disease-causing variants in LAMA3. To our knowledge, no experimental evidence demonstrating an impact on protein function has been reported. The following publication has been ascertained in the context of this evaluation (PMID: 39688128). ClinVar contains an entry for this variant (Variation ID: 326340). Based on the evidence outlined above, the variant was classified as uncertain significance.

Myriad Genetics, Inc.
Classification: Uncertain significance for Junctional epidermolysis bullosa. Last evaluated: 2025-11-10. Review status: criteria provided, single submitter. Criteria: Myriad Autosomal Dominant, Autosomal Recessive and X-Linked Classification Criteria (2023). Collection method: clinical testing. Allele origin: unknown.
Comment: NM_000227.3(LAMA3):c.3946G>A(G1316R) is a missense variant classified as a variant of uncertain significance in the context of junctional epidermolysis bullosa, LAMA3-related. G1316R has been observed in a case with relevant disease (PMID: 39688128). Relevant functional assessments of this variant are not available in the literature. G1316R has been observed in referenced population frequency databases. In summary, there is insufficient evidence to classify NM_000227.3(LAMA3):c.3946G>A(G1316R) as pathogenic or benign. Please note: this variant was assessed in the context of healthy population screening.

Illumina Laboratory Services, Illumina
Classification: Uncertain significance for Laryngo-onycho-cutaneous syndrome. Last evaluated: 2018-01-12. Review status: criteria provided, single submitter. Criteria: ICSL Variant Classification Criteria 13 December 2019. Collection method: clinical testing. Allele origin: germline.

Illumina Laboratory Services, Illumina
Classification: Uncertain significance for Junctional epidermolysis bullosa gravis of Herlitz. Last evaluated: 2018-01-12. Review status: criteria provided, single submitter. Criteria: ICSL Variant Classification Criteria 13 December 2019. Collection method: clinical testing. Allele origin: germline.

Literature cited by the submitters: PubMed 39688128 (cited by Women's Health and Genetics/Laboratory Corporation of America, LabCorp and Myriad Genetics, Inc.).